The following is an entry in ClinVar:

ClinVar aggregate classification (germline): Pathogenic (1 of 4 stars; one submission).

Conditions:
Hereditary cancer-predisposing syndrome. Also called: Hereditary Cancer Syndrome; Neoplastic Syndromes, Hereditary; Hereditary neoplastic syndrome; Tumor predisposition. Identifiers: Orphanet 140162, MedGen C0027672, MeSH D009386, MONDO:0015356.

Submission:

Ambry Genetics
Classification: Pathogenic for Hereditary cancer-predisposing syndrome. Last evaluated: 2017-11-20. Review status: criteria provided, single submitter. Criteria: Ambry Variant Classification Scheme 2023. Collection method: clinical testing. Allele origin: germline.
Comment: The c.1447delC pathogenic mutation, located in coding exon 16 of the RB1 gene, results from a deletion of one nucleotide at nucleotide position 1447, causing a translational frameshift with a predicted alternate stop codon (p.H483Ifs*12). This alteration is expected to result in loss of function by premature protein truncation or nonsense-mediated mRNA decay. As such, this alteration is interpreted as a disease-causing mutation.

NM_000321.3(RB1):c.1447del (p.His483fs)

Gene: RB1 (RB transcriptional corepressor 1; plus strand). Cytogenetic location: 13q14.2.
Variant type: Deletion.
Coding change: c.1447del on transcript NM_000321.3 (MANE Select); coding-DNA position 1447, one base deleted (C; older notation c.1447delC).
Protein change: p.His483fs; shifts the reading frame from histidine 483.
Molecular consequence: frameshift variant.
Genome position (GRCh38, 1-based): chr13:48,380,190, C deleted. VCF-style (leftmost placement, unchanged base first): chr13-48380189-TC-T. GRCh37 (hg19) VCF-style: chr13-48954325-TC-T.
Other names: c.1447delC (NM_000321.2); short protein forms H483fs.
Identifiers: ClinVar variation 428737 (VCV000428737.5), dbSNP rs1131690910, ClinGen allele CA645369548.